The following is an entry in ClinVar:

ClinVar aggregate classification (germline): Uncertain significance (1 of 4 stars; one submission).

gnomAD v4.1: 2 of 1,599,954 alleles (0.00013%); highest among the groups gnomAD compares: Non-Finnish European, 0.00017%; no homozygotes.

Submission:

Labcorp Genetics (formerly Invitae), Labcorp
Classification: Uncertain significance. Last evaluated: 2024-09-15. Review status: criteria provided, single submitter. Criteria: Invitae Variant Classification Sherloc (09022015). Collection method: clinical testing. Allele origin: germline.
Comment: This sequence change replaces arginine, which is basic and polar, with glutamine, which is neutral and polar, at codon 615 of the SRCAP protein (p.Arg615Gln). This variant is present in population databases (rs775359311, gnomAD 0.0009%). This variant has not been reported in the literature in individuals affected with SRCAP-related conditions. Invitae Evidence Modeling of protein sequence and biophysical properties (such as structural, functional, and spatial information, amino acid conservation, physicochemical variation, residue mobility, and thermodynamic stability) indicates that this missense variant is not expected to disrupt SRCAP protein function with a negative predictive value of 80%. Algorithms developed to predict the effect of sequence changes on RNA splicing suggest that this variant may create or strengthen a splice site. In summary, the available evidence is currently insufficient to determine the role of this variant in disease. Therefore, it has been classified as a Variant of Uncertain Significance.

NM_006662.3(SRCAP):c.1844G>A (p.Arg615Gln)

Gene: SRCAP (Snf2 related CREBBP activator protein; plus strand). Cytogenetic location: 16p11.2.
Variant type: single nucleotide variant.
Coding change: c.1844G>A on transcript NM_006662.3 (MANE Select); coding-DNA position 1844, G replaced by A.
Protein change: p.Arg615Gln; replaces arginine 615 with glutamine.
Molecular consequence: missense variant.
Genome position (GRCh38, 1-based): chr16:30,712,290, G>A. VCF-style: chr16-30712290-G-A. GRCh37 (hg19) VCF-style: chr16-30723611-G-A.
Other names: short protein forms R615Q.
Identifiers: ClinVar variation 3606128 (VCV003606128.2).